The following is an entry in ClinVar:

ClinVar aggregate classification (germline): Uncertain significance. Review status: criteria provided, multiple submitters, no conflicts (2 of 4 stars). 2 submissions from 2 submitters: Uncertain significance (2). Last evaluated 2025-07-03.

Conditions:
Hereditary cancer-predisposing syndrome. Also called: Hereditary neoplastic syndrome; Neoplastic Syndromes, Hereditary; Hereditary Cancer Syndrome; Tumor predisposition. Identifiers: Orphanet 140162, MedGen C0027672, MeSH D009386, MONDO:0015356.

Submissions (2):

Ambry Genetics
Classification: Uncertain significance for Hereditary cancer-predisposing syndrome. Last evaluated: 2025-07-03. Review status: criteria provided, single submitter. Criteria: Ambry Variant Classification Scheme 2023. Collection method: clinical testing. Allele origin: germline.
Comment: The p.P293L variant (also known as c.878C>T), located in coding exon 6 of the CTNNA1 gene, results from a C to T substitution at nucleotide position 878. The proline at codon 293 is replaced by leucine, an amino acid with similar properties. This amino acid position is conserved. In addition, this alteration is predicted to be deleterious by in silico analysis. Based on the available evidence, the clinical significance of this variant remains unclear.

Labcorp Genetics (formerly Invitae), Labcorp
Classification: Uncertain significance. Last evaluated: 2024-05-22. Review status: criteria provided, single submitter. Criteria: Invitae Variant Classification Sherloc (09022015). Collection method: clinical testing. Allele origin: germline.
Comment: This sequence change replaces proline, which is neutral and non-polar, with leucine, which is neutral and non-polar, at codon 293 of the CTNNA1 protein (p.Pro293Leu). This variant is not present in population databases (gnomAD no frequency). This variant has not been reported in the literature in individuals affected with CTNNA1-related conditions. ClinVar contains an entry for this variant (Variation ID: 966533). Advanced modeling of protein sequence and biophysical properties (such as structural, functional, and spatial information, amino acid conservation, physicochemical variation, residue mobility, and thermodynamic stability) has been performed at Invitae for this missense variant, however the output from this modeling did not meet the statistical confidence thresholds required to predict the impact of this variant on CTNNA1 protein function. In summary, the available evidence is currently insufficient to determine the role of this variant in disease. Therefore, it has been classified as a Variant of Uncertain Significance.

NM_001903.5(CTNNA1):c.878C>T (p.Pro293Leu)

Gene: CTNNA1 (catenin alpha 1; plus strand). Cytogenetic location: 5q31.2.
Variant type: single nucleotide variant.
Coding change: c.878C>T on transcript NM_001903.5 (MANE Select); coding-DNA position 878, C replaced by T.
Protein change: p.Pro293Leu; replaces proline 293 with leucine.
Molecular consequence: missense variant.
Genome position (GRCh38, 1-based): chr5:138,827,534, C>T. VCF-style: chr5-138827534-C-T. GRCh37 (hg19) VCF-style: chr5-138163223-C-T.
Other names: c.878C>T, p.Pro293Leu (NM_001290307.3, NM_001323982.2, NM_001323983.1 and 3 more transcripts); c.569C>T, p.Pro190Leu (NM_001290309.3); c.509C>T, p.Pro170Leu (NM_001290310.3); c.878C>T (NM_001903.2); short protein forms P190L, P170L, P293L.
Identifiers: ClinVar variation 966533 (VCV000966533.11), dbSNP rs1760844334, ClinGen allele CA361130688.
Genomic context (GRCh38, chr5:138,827,534, plus strand): 5'-ACAGAGATGAGTACTAACATTCGGTAATACTTTCTCTGCAGAAACAAATCATTGTGGACC[C>T]CTTGAGCTTCAGCGAGGAGCGCTTTAGGCCTTCCCTGGAGGAGCGTCTGGAAAGCATCAT-3'
Protein context (NP_001894.2, residues 283-303): NNFDKQIIVD[Pro293Leu]LSFSEERFRP